The following is an entry in ClinVar:

NM_006648.4(WNK2):c.3977C>G (p.Ala1326Gly)

Gene: WNK2 (WNK lysine deficient protein kinase 2; plus strand). Cytogenetic location: 9q22.31.
Variant type: single nucleotide variant.
Coding change: c.3977C>G on transcript NM_006648.4 (MANE Select); coding-DNA position 3977, C replaced by G.
Protein change: p.Ala1326Gly; replaces alanine 1326 with glycine.
Molecular consequence: missense variant.
Genome position (GRCh38, 1-based): chr9:93,268,690, C>G. VCF-style: chr9-93268690-C-G. GRCh37 (hg19) VCF-style: chr9-96030972-C-G.
Other names: c.3977C>G, p.Ala1326Gly (NM_001282394.3); short protein forms A1326G.
Identifiers: ClinVar variation 4605201 (VCV004605201.1).

ClinVar aggregate classification (germline): Uncertain significance (1 of 4 stars; one submission).

Submission:

Ambry Genetics
Classification: Uncertain significance. Last evaluated: 2025-09-28. Review status: criteria provided, single submitter. Criteria: Ambry Variant Classification Scheme 2023. Collection method: clinical testing. Allele origin: germline.
Comment: The p.A1326G variant (also known as c.3977C>G), located in coding exon 18 of the WNK2 gene, results from a C to G substitution at nucleotide position 3977. The alanine at codon 1326 is replaced by glycine, an amino acid with similar properties. This amino acid position is conserved. In addition, this alteration is predicted to be tolerated by in silico analysis. Based on the available evidence, the clinical significance of this variant remains unclear.